The following is an entry in ClinVar:

ClinVar aggregate classification (germline): Pathogenic. Review status: criteria provided, multiple submitters, no conflicts (2 of 4 stars). 4 submissions from 4 submitters: Pathogenic (4). Last evaluated 2025-03-05.

Conditions:
Junctional epidermolysis bullosa. Identifiers: Orphanet 305, MedGen C0079301, MONDO:0017612.

Allele frequency attached by ClinVar (database versions not stated): gnomAD exomes 0.00001 and 0.00002; TOPMed 0.00001; gnomAD 0.00003; ESP Exome Variant Server 0.00008.
gnomAD v4.1: 42 of 1,609,522 alleles (0.0026%); highest among the groups gnomAD compares: Non-Finnish European, 0.0031%; no homozygotes.

Submissions (4):

Women's Health and Genetics/Laboratory Corporation of America, LabCorp
Classification: Pathogenic for Junctional epidermolysis bullosa. Last evaluated: 2025-03-05. Review status: criteria provided, single submitter. Criteria: LabCorp Variant Classification Summary - May 2015. Collection method: clinical testing. Allele origin: germline.
Comment: Variant summary: LAMB3 c.565-2A>G is located in a canonical splice-site and is predicted to affect mRNA splicing resulting in a significantly altered protein due to either exon skipping, shortening, or inclusion of intronic material. Variants that disrupt the consensus splice site are a relatively common cause of aberrant splicing and loss of LAMB3 function. Several computational tools predict a significant impact on normal splicing: Four predict the variant creates a 3' acceptor site. However, these predictions have yet to be confirmed by functional studies. The variant allele was found at a frequency of 1.2e-05 in 251486 control chromosomes. c.565-2A>G has been reported in the literature in multiple individuals affected with Junctional Epidermolysis Bullosa (Pulkkinen_1997, Varki_2006, Yuen_2011). These data indicate that the variant is very likely to be associated with disease. To our knowledge, no experimental evidence demonstrating an impact on protein function has been reported. The following publications have been ascertained in the context of this evaluation (PMID: 16971478, 21801158, 9242513). ClinVar contains an entry for this variant (Variation ID: 188846). Based on the evidence outlined above, the variant was classified as pathogenic.

Labcorp Genetics (formerly Invitae), Labcorp
Classification: Pathogenic. Last evaluated: 2023-09-15. Review status: criteria provided, single submitter. Criteria: Invitae Variant Classification Sherloc (09022015). Collection method: clinical testing. Allele origin: germline.
Comment: This sequence change affects an acceptor splice site in intron 6 of the LAMB3 gene. It is expected to disrupt RNA splicing. Variants that disrupt the donor or acceptor splice site typically lead to a loss of protein function (PMID: 16199547), and loss-of-function variants in LAMB3 are known to be pathogenic (PMID: 11023379, 16473856). This variant is present in population databases (rs370148688, gnomAD 0.004%). Disruption of this splice site has been observed in individuals with epidermolysis bullosa (PMID: 9242513, 16473856, 21801158). ClinVar contains an entry for this variant (Variation ID: 188846). Algorithms developed to predict the effect of sequence changes on RNA splicing suggest that this variant may disrupt the consensus splice site. For these reasons, this variant has been classified as Pathogenic.

Myriad Genetics, Inc.
Classification: Pathogenic for Junctional epidermolysis bullosa. Last evaluated: 2021-11-10. Review status: criteria provided, single submitter. Criteria: Myriad Autosomal Dominant, Autosomal Recessive and X-Linked Classification Criteria (2023). Collection method: clinical testing. Allele origin: unknown.
Comment: NM_000228.2(LAMB3):c.565-2A>G is a canonical splice variant classified as pathogenic in the context of junctional epidermolysis bullosa, LAMB3-related. c.565-2A>G has been observed in cases with relevant disease (PMID: 9242513). Functional assessments of this variant are not available in the literature. c.565-2A>G has been observed in population frequency databases (gnomAD: OTH 0.01%). In summary, NM_000228.2(LAMB3):c.565-2A>G is a canonical splice variant in a gene where loss of function is a known mechanism of disease, is predicted to disrupt protein function, and has been observed more frequently in cases with the relevant disease than in healthy populations. Please note: this variant was assessed in the context of healthy population screening.

GeneDx
Classification: Pathogenic. Last evaluated: 2020-05-18. Review status: criteria provided, single submitter. Criteria: GeneDx Variant Classification Process June 2021. Collection method: clinical testing. Allele origin: germline. Affected: yes.
Comment: Considered a recurrent variant accounting for 1-3% of mutant LAMB3 alleles among patients with JEB (Nakano et al., 2000; Varki et al., 2006); Canonical splice site variant predicted to result in a null allele in a gene for which loss-of-function is a known mechanism of disease; Not observed at a significant frequency in large population cohorts (Lek et al., 2016); This variant is associated with the following publications: (PMID: 21801158, 12813757, 16473856, 11023379, 9242513, 25525159)

Literature cited by the submitters: PubMed 16971478 (cited by Women's Health and Genetics/Laboratory Corporation of America, LabCorp); PubMed 21801158 (cited by Women's Health and Genetics/Laboratory Corporation of America, LabCorp and Labcorp Genetics (formerly Invitae), Labcorp); PubMed 9242513 (cited by 3 submitters); PubMed 16199547 (cited by Labcorp Genetics (formerly Invitae), Labcorp); PubMed 11023379 (cited by Labcorp Genetics (formerly Invitae), Labcorp); PubMed 16473856 (cited by Labcorp Genetics (formerly Invitae), Labcorp).

NM_000228.3(LAMB3):c.565-2A>G

Gene: LAMB3 (laminin subunit beta 3; minus strand). Cytogenetic location: 1q32.2.
Variant type: single nucleotide variant.
Coding change: c.565-2A>G on transcript NM_000228.3 (MANE Select); the canonical splice acceptor site of the intron before coding-DNA position 565, A replaced by G.
Molecular consequence: splice acceptor variant.
Genome position (GRCh38, 1-based): chr1:209,633,135, T>C on the plus strand (A>G on the coding strand, the complement: LAMB3 is on the minus strand). VCF-style: chr1-209633135-T-C. GRCh37 (hg19) VCF-style: chr1-209806480-T-C.
Other names: c.565-2A>G (NM_001127641.1, NM_001017402.2).
Identifiers: ClinVar variation 188846 (VCV000188846.16), dbSNP rs370148688, ClinGen allele CA274032.